The following is an entry in ClinVar:

ClinVar aggregate classification (germline): Uncertain significance (1 of 4 stars; one submission).

Conditions:
Cardiovascular phenotype. Identifiers: MedGen CN230736.

Submission:

Ambry Genetics
Classification: Uncertain significance for Cardiovascular phenotype. Last evaluated: 2022-07-13. Review status: criteria provided, single submitter. Criteria: Ambry Variant Classification Scheme 2023. Collection method: clinical testing. Allele origin: germline.
Comment: The c.751_752delCT variant, located in coding exon 7 of the AKAP9 gene, results from a deletion of two nucleotides at nucleotide positions 751 to 752, causing a translational frameshift with a predicted alternate stop codon (p.L251Efs*6). The evidence for this gene-disease relationship is limited; therefore, the clinical significance of this alteration is unclear.

NM_005751.5(AKAP9):c.751_752del (p.Leu251fs)

Genes: AKAP9 (A-kinase anchoring protein 9; plus strand), LOC129998789 (ATAC-STARR-seq lymphoblastoid silent region 18366; plus strand). Cytogenetic location: 7q21.2.
Variant type: Microsatellite.
Coding change: c.751_752del on transcript NM_005751.5 (MANE Select); coding-DNA positions 751 to 752, 2 bases deleted (CT; older notation c.751_752delCT).
Protein change: p.Leu251fs; shifts the reading frame from leucine 251.
Molecular consequence: frameshift variant.
Genome position (GRCh38, 1-based): chr7:91,995,621-91,995,622, CT deleted; deleting any 2 consecutive bases within chr7:91,995,619-91,995,622 gives the same sequence; the c. name uses the placement nearest the transcript's 3' end. VCF-style (leftmost placement, unchanged base first): chr7-91995618-ACT-A. GRCh37 (hg19) VCF-style: chr7-91624932-ACT-A.
Other names: c.749_750CT[1], p.Leu251Glufs (NM_005751.4); c.751_752del, p.Leu251fs (NM_147185.3); c.751_752delCT (NM_005751.4); short protein forms L251fs.
Identifiers: ClinVar variation 1759276 (VCV001759276.2), dbSNP rs2484676076, ClinGen allele CA2580615914.
Genomic context (GRCh38, chr7:91,995,618, plus strand): 5'-AGTCACTTCAGAATTTAACGTTTTGAGGTTTCTTTCTATTTTCAGTTACAGGCTAGTGAA[ACT>A]CTGAGAAACAGCACTCATAGTAGCACAGCTGCAGACTTACTACAAGCCAAACAACAGATC-3'